The following is an entry in ClinVar:

ClinVar aggregate classification (germline): Likely pathogenic (1 of 4 stars; one submission).

Conditions:
Pterin-4 alpha-carbinolamine dehydratase 1 deficiency. Also called: Hyperphenylalaninemia due to dehydratase deficiency; HYPERPHENYLALANINEMIA WITH PRIMAPTERINURIA; HYPERPHENYLALANINEMIA, TETRAHYDROBIOPTERIN-DEFICIENT, DUE TO PTERIN-4-ALPHA-CARBINOLAMINE DEHYDRATASE DEFICIENCY; CADH DEFICIENCY. Identifiers: Orphanet 1578, Orphanet 238583, MedGen C1849700, MONDO:0009908, OMIM 264070.

Allele frequency attached by ClinVar (database versions not stated): TOPMed 0.00001.

Submission:

Labcorp Genetics (formerly Invitae), Labcorp
Classification: Likely pathogenic for Pterin-4 alpha-carbinolamine dehydratase 1 deficiency. Last evaluated: 2024-01-21. Review status: criteria provided, single submitter. Criteria: Invitae Variant Classification Sherloc (09022015). Collection method: clinical testing. Allele origin: germline.
Comment: This sequence change affects a donor splice site in intron 1 of the PCBD1 gene. It is expected to disrupt RNA splicing. Variants that disrupt the donor or acceptor splice site typically lead to a loss of protein function (PMID: 16199547), and loss-of-function variants in PCBD1 are known to be pathogenic (PMID: 958615). This variant is not present in population databases (gnomAD no frequency). This variant has not been reported in the literature in individuals affected with PCBD1-related conditions. Algorithms developed to predict the effect of sequence changes on RNA splicing suggest that this variant may disrupt the consensus splice site. In summary, the currently available evidence indicates that the variant is pathogenic, but additional data are needed to prove that conclusively. Therefore, this variant has been classified as Likely Pathogenic.

Literature cited by the submitters: PubMed 16199547; PubMed 958615.

NM_000281.4(PCBD1):c.3+1G>T

Genes: PCBD1 (pterin-4 alpha-carbinolamine dehydratase 1; minus strand), LOC130004020 (ATAC-STARR-seq lymphoblastoid silent region 2455; plus strand). Cytogenetic location: 10q22.1.
Variant type: single nucleotide variant.
Coding change: c.3+1G>T on transcript NM_000281.4 (MANE Select); the canonical splice donor site of the intron after coding-DNA position 3, G replaced by T.
Molecular consequence: splice donor variant.
Genome position (GRCh38, 1-based): chr10:70,888,530, C>A on the plus strand (G>T on the coding strand, the complement: PCBD1 is on the minus strand). VCF-style: chr10-70888530-C-A. GRCh37 (hg19) VCF-style: chr10-72648287-C-A.
Other names: c.3+1G>T (NM_001323004.2).
Identifiers: ClinVar variation 3003037 (VCV003003037.3), dbSNP rs1218193751, ClinGen allele CA377128853.
Genomic context (GRCh38, chr10:70,888,530, plus strand): 5'-CCTCGCCCGCGGCTGCCCCGGCCCCGCTGCCCCGATCGCGGCCGCGCACCCCTGGACTCA[C>A]CATGGCGCGGGCGGCAGCAGGTGGCCAGCGGAGAGGGCAGGCGGCGGCCGGGCGCGCAGG-3'